The following is an entry in ClinVar:

NM_000203.5(IDUA):c.1829-3C>T

Gene: IDUA (alpha-L-iduronidase; plus strand). Cytogenetic location: 4p16.3.
Variant type: single nucleotide variant.
Coding change: c.1829-3C>T on transcript NM_000203.5 (MANE Select); 3 bases into the intron before coding-DNA position 1829, C replaced by T.
Molecular consequence: intron variant.
Genome position (GRCh38, 1-based): chr4:1,004,257, C>T. VCF-style: chr4-1004257-C-T. GRCh37 (hg19) VCF-style: chr4-998045-C-T.
Other names: c.1433-3C>T (NM_001363576.1).
Identifiers: ClinVar variation 2087108 (VCV002087108.1), dbSNP rs2534103803, ClinGen allele CA2580070703.
Genomic context (GRCh38, chr4:1,004,257, plus strand): 5'-GGGGTCAGGGGGCTTTCGGGTGGGGGCAGGTTCCGGTTGGCACACATGTCCCCTTGTCTC[C>T]AGACACAGGTGCTGTCTCTGGCTCCTACCGAGTTCGAGCCCTGGACTACTGGGCCCGACC-3'

ClinVar aggregate classification (germline): Uncertain significance (1 of 4 stars; one submission).

Conditions:
Mucopolysaccharidosis type 1. Also called: IDUA deficiency; MPS I. Identifiers: Orphanet 579, MedGen C0023786, MONDO:0001586.

Submission:

Labcorp Genetics (formerly Invitae), Labcorp
Classification: Uncertain significance for Mucopolysaccharidosis type 1. Last evaluated: 2022-05-05. Review status: criteria provided, single submitter. Criteria: Invitae Variant Classification Sherloc (09022015). Collection method: clinical testing. Allele origin: germline.
Comment: This sequence change falls in intron 13 of the IDUA gene. It does not directly change the encoded amino acid sequence of the IDUA protein. It affects a nucleotide within the consensus splice site. This variant is not present in population databases (gnomAD no frequency). This variant has not been reported in the literature in individuals affected with IDUA-related conditions. Variants that disrupt the consensus splice site are a relatively common cause of aberrant splicing (PMID: 17576681, 9536098). Algorithms developed to predict the effect of sequence changes on RNA splicing suggest that this variant is not likely to affect RNA splicing. In summary, the available evidence is currently insufficient to determine the role of this variant in disease. Therefore, it has been classified as a Variant of Uncertain Significance.

Literature cited by the submitters: PubMed 17576681; PubMed 9536098.